The following is an entry in ClinVar:

ClinVar aggregate classification (germline): Uncertain significance (1 of 4 stars; one submission).

gnomAD v4.1: 1 of 1,550,848 alleles (0.000064%); highest among the groups gnomAD compares: Middle Eastern, 0.017%; no homozygotes.

Submission:

Dasa
Classification: Uncertain significance. Last evaluated: 2024-09-13. Review status: criteria provided, single submitter. Criteria: DASA Assertion Criteria. Collection method: clinical testing. Allele origin: germline.
Comment: NM_018341.3(ERMARD):c.316-10T>C is a splice-region variant. This variant is rare in population databases. Computational prediction algorithms are consistent with a deleterious effect. The currently available literature and clinical evidence are not sufficient to establish a definitive association between this variant and the reported condition. Therefore, this variant is classified as a variant of uncertain significance.

NM_018341.3(ERMARD):c.316-10T>C

Gene: ERMARD (ER membrane associated RNA degradation; plus strand). Cytogenetic location: 6q27.
Variant type: single nucleotide variant.
Coding change: c.316-10T>C on transcript NM_018341.3 (MANE Select); 10 bases into the intron before coding-DNA position 316, T replaced by C.
Molecular consequence: intron variant.
Genome position (GRCh38, 1-based): chr6:169,756,328, T>C. VCF-style: chr6-169756328-T-C. GRCh37 (hg19) VCF-style: chr6-170156424-T-C.
Other names: c.316-10T>C (NM_001278531.2, NM_001278533.2); c.-63-10T>C (NM_001278532.2, NM_001410957.1).
Identifiers: ClinVar variation 4881168 (VCV004881168.2).